The following is an entry in ClinVar:

ClinVar aggregate classification (germline): Likely benign. Review status: criteria provided, multiple submitters, no conflicts (2 of 4 stars). 2 submissions from 2 submitters: Likely benign (2). Last evaluated 2026-07-28.

Conditions:
MYH14-related disorder. Also called: MYH14-related condition.

gnomAD v4.1: 64 of 1,612,166 alleles (0.004%); highest among the groups gnomAD compares: East Asian, 0.04%; no homozygotes.

Submissions (2):

PreventionGenetics, part of Exact Sciences
Classification: Likely benign for MYH14-related condition. Last evaluated: 2026-07-28. Review status: criteria provided, single submitter. Criteria: ACMG Guidelines, 2015. Collection method: clinical testing. Allele origin: germline.
Comment: This variant is classified as likely benign based on ACMG/AMP sequence variant interpretation guidelines (Richards et al. 2015 PMID: 25741868, with internal and published modifications).

Blueprint Genetics
Classification: Likely benign. Last evaluated: 2024-05-02. Review status: criteria provided, single submitter. Criteria: ACMG Guidelines, 2015. Collection method: clinical testing. Allele origin: germline.

NM_001145809.2(MYH14):c.5082C>T (p.Ala1694=)

Gene: MYH14 (myosin heavy chain 14; plus strand). Cytogenetic location: 19q13.33.
Variant type: single nucleotide variant.
Coding change: c.5082C>T on transcript NM_001145809.2 (MANE Select); coding-DNA position 5082, C replaced by T.
Protein change: p.Ala1694=; no amino-acid change (alanine 1694 retained).
Molecular consequence: synonymous variant.
Genome position (GRCh38, 1-based): chr19:50,291,003, C>T. VCF-style: chr19-50291003-C-T. GRCh37 (hg19) VCF-style: chr19-50794260-C-T.
Other names: c.4983C>T, p.Ala1661= (NM_001077186.2); c.4959C>T, p.Ala1653= (NM_024729.4); c.5082C>T (NM_001145809.1).
Identifiers: ClinVar variation 4943537 (VCV004943537.2).
Genomic context (GRCh38, chr19:50,291,003, plus strand): 5'-GGCTGCCCGCAAGAAGCTGGAGGGAGAGCTGGAGGAGCTGAAGGCTCAGATGGCCTCTGC[C>T]GGCCAGGGCAAGGAGGAGGCGGTGAAGCAGCTTCGCAAGATGCAGGTAAGAGCCGGCGTG-3'
Protein context (NP_001139281.1, residues 1684-1704): LEELKAQMAS[Ala1694=]GQGKEEAVKQ